The following is an entry in ClinVar:

NM_004586.3(RPS6KA3):c.2102G>A (p.Gly701Asp)

Gene: RPS6KA3 (ribosomal protein S6 kinase A3; minus strand). Cytogenetic location: Xp22.12.
Variant type: single nucleotide variant.
Coding change: c.2102G>A on transcript NM_004586.3 (MANE Select); coding-DNA position 2102, G replaced by A.
Protein change: p.Gly701Asp; replaces glycine 701 with aspartic acid.
Molecular consequence: missense variant.
Genome position (GRCh38, 1-based): chrX:20,155,519, C>T on the plus strand (G>A on the coding strand, the complement: RPS6KA3 is on the minus strand). VCF-style: chrX-20155519-C-T. GRCh37 (hg19) VCF-style: chrX-20173637-C-T.
Other names: short protein forms G701D.
Identifiers: ClinVar variation 1693429 (VCV001693429.2), dbSNP rs2148622698, ClinGen allele CA412512171.

ClinVar aggregate classification (germline): Uncertain significance (1 of 4 stars; one submission).

Submission:

GeneDx
Classification: Uncertain significance. Last evaluated: 2021-12-30. Review status: criteria provided, single submitter. Criteria: GeneDx Variant Classification Process June 2021. Collection method: clinical testing. Allele origin: germline. Affected: yes.
Comment: Not observed at significant frequency in large population cohorts (gnomAD); In silico analysis supports that this missense variant has a deleterious effect on protein structure/function; Has not been previously published as pathogenic or benign to our knowledge